The following is an entry in ClinVar:

NM_000501.4(ELN):c.1415-9A>G

Genes: ELN (elastin; plus strand), ELN-AS1 (ELN antisense RNA 1; minus strand). Cytogenetic location: 7q11.23.
Variant type: single nucleotide variant.
Coding change: c.1415-9A>G on transcript NM_000501.4 (MANE Select); 9 bases into the intron before coding-DNA position 1415, A replaced by G.
Molecular consequence: intron variant. On other transcripts: missense variant (1).
Genome position (GRCh38, 1-based): chr7:74,059,877, A>G. VCF-style: chr7-74059877-A-G. GRCh37 (hg19) VCF-style: chr7-73474207-A-G.
Other names: c.1424A>G, p.Asn475Ser (NM_001278915.2); c.1430-9A>G (NM_001081754.3); c.1373-9A>G (NM_001081753.3); c.1502-9A>G (NM_001278939.2); c.1415-9A>G (NM_001278912.2); c.1358-9A>G (NM_001081755.3); c.1316-9A>G (NM_001278916.2); c.1172-9A>G (NM_001278913.2); and 4 more; short protein forms N475S.
Identifiers: ClinVar variation 163393 (VCV000163393.5), dbSNP rs727503032, ClinGen allele CA176025.

ClinVar aggregate classification (germline): Conflicting classifications of pathogenicity. Review status: criteria provided, conflicting classifications (1 of 4 stars). 2 submissions from 2 submitters: Uncertain significance (1); Likely benign (1). Last evaluated 2015-09-14.

Submissions (2):

GeneDx
Classification: Likely benign. Last evaluated: 2015-09-14. Review status: criteria provided, single submitter. Criteria: GeneDx Variant Classification (06012015). Collection method: clinical testing. Allele origin: germline. Affected: yes.
Comment: This variant is considered likely benign or benign based on one or more of the following criteria: it is a conservative change, it occurs at a poorly conserved position in the protein, it is predicted to be benign by multiple in silico algorithms, and/or has population frequency not consistent with disease.

Laboratory for Molecular Medicine, Mass General Brigham Personalized Medicine
Classification: Uncertain significance. Last evaluated: 2011-08-23. Review status: criteria provided, single submitter. Criteria: LMM Criteria. Collection method: clinical testing. Allele origin: germline. Observed: 1 variant allele.
Comment: The 1415-9A>G variant has not been previously reported in the literature nor bee n identified by our laboratory. The number of individuals sequenced by our labor atory is small and healthy control data is not available such that we cannot exc lude that this variant is common. Of note, it is unclear whether this variant is intronic or affects the protein. Based on the available reference sequence (NM_ 000501.2), this variant affects the splice consensus sequence at position -9. Va riants at this position sometimes have an effect on splicing. On the other hand Tassabehji et al. 1997 reported a transcript (hg19 chr7: g.73474198-73474378), w hich includes this position as a coding base. In this case the variant would lea d to an Asn475Ser change. In summary, additional data is required to determine t he clinical significance of this variant.